The following is an entry in ClinVar:

ClinVar aggregate classification (germline): Uncertain significance (1 of 4 stars; one submission).

Conditions:
IGF1R-related disorder. Also called: IGF1R-related condition.

Submission:

PreventionGenetics, part of Exact Sciences
Classification: Uncertain significance for IGF1R-related condition. Last evaluated: 2024-12-30. Review status: criteria provided, single submitter. Criteria: ACMG Guidelines, 2015. Collection method: clinical testing. Allele origin: germline.
Comment: The IGF1R c.1660G>T variant is predicted to result in the amino acid substitution p.Val554Leu. To our knowledge, this variant has not been reported in the literature or in a large population database (gnomAD), indicating this variant is rare. At this time, the clinical significance of this variant is uncertain due to the absence of conclusive functional and genetic evidence.

NM_000875.5(IGF1R):c.1660G>T (p.Val554Leu)

Gene: IGF1R (insulin like growth factor 1 receptor; plus strand). Cytogenetic location: 15q26.3.
Variant type: single nucleotide variant.
Coding change: c.1660G>T on transcript NM_000875.5 (MANE Select); coding-DNA position 1660, G replaced by T.
Protein change: p.Val554Leu; replaces valine 554 with leucine.
Molecular consequence: missense variant.
Genome position (GRCh38, 1-based): chr15:98,913,114, G>T. VCF-style: chr15-98913114-G-T. GRCh37 (hg19) VCF-style: chr15-99456343-G-T.
Other names: c.1660G>T, p.Val554Leu (NM_001291858.2); short protein forms V554L.
Identifiers: ClinVar variation 5000694 (VCV005000694.1).